The following is an entry in ClinVar:

NM_001039396.2(MPEG1):c.1784C>G (p.Pro595Arg)

Gene: MPEG1 (macrophage expressed 1; minus strand). Cytogenetic location: 11q12.1.
Variant type: single nucleotide variant.
Coding change: c.1784C>G on transcript NM_001039396.2 (MANE Select); coding-DNA position 1784, C replaced by G.
Protein change: p.Pro595Arg; replaces proline 595 with arginine.
Molecular consequence: missense variant.
Genome position (GRCh38, 1-based): chr11:59,211,082, G>C on the plus strand (C>G on the coding strand, the complement: MPEG1 is on the minus strand). VCF-style: chr11-59211082-G-C. GRCh37 (hg19) VCF-style: chr11-58978555-G-C.
Other names: short protein forms P595R.
Identifiers: ClinVar variation 4882681 (VCV004882681.2).

ClinVar aggregate classification (germline): Uncertain significance (1 of 4 stars; one submission).

gnomAD v4.1: 6 of 1,614,086 alleles (0.00037%); highest among the groups gnomAD compares: Admixed American, 0.0083%; no homozygotes.

Submission:

Dasa
Classification: Uncertain significance. Last evaluated: 2024-12-10. Review status: criteria provided, single submitter. Criteria: DASA Assertion Criteria. Collection method: clinical testing. Allele origin: germline.
Comment: NM_001039396.2(MPEG1):c.1784C>G (p.Pro595Arg) is a missense variant that results in the substitution of proline with arginine. This variant is rare in population databases. The currently available literature and clinical evidence are not sufficient to establish a definitive association between this variant and the reported condition. Therefore, this variant is classified as a variant of uncertain significance.